The following is an entry in ClinVar:

ClinVar aggregate classification (germline): Pathogenic (1 of 4 stars; one submission).

Conditions:
Mitochondrial DNA depletion syndrome 9 (MTDPS9). Also called: SUCLG1-Related Mitochondrial DNA Depletion Syndrome, Encephalomyopathic Form with Methylmalonic Aciduria. Identifiers: Orphanet 17, MedGen C3151476, MONDO:0009504, OMIM 245400.

Submission:

Labcorp Genetics (formerly Invitae), Labcorp
Classification: Pathogenic for Mitochondrial DNA depletion syndrome 9. Last evaluated: 2023-07-09. Review status: criteria provided, single submitter. Criteria: Invitae Variant Classification Sherloc (09022015). Collection method: clinical testing. Allele origin: germline.
Comment: For these reasons, this variant has been classified as Pathogenic. This variant has not been reported in the literature in individuals affected with SUCLG1-related conditions. This variant is not present in population databases (gnomAD no frequency). This sequence change creates a premature translational stop signal (p.Ser279Profs*4) in the SUCLG1 gene. It is expected to result in an absent or disrupted protein product. Loss-of-function variants in SUCLG1 are known to be pathogenic (PMID: 20693550).

Literature cited by the submitters: PubMed 20693550.

NM_003849.4(SUCLG1):c.835del (p.Ser279fs)

Gene: SUCLG1 (succinate-CoA ligase GDP/ADP-forming subunit alpha; minus strand). Cytogenetic location: 2p11.2.
Variant type: Deletion.
Coding change: c.835del on transcript NM_003849.4 (MANE Select); coding-DNA position 835, one base deleted (T; older notation c.835delT).
Protein change: p.Ser279fs; shifts the reading frame from serine 279.
Molecular consequence: frameshift variant.
Genome position (GRCh38, 1-based): chr2:84,425,594, A deleted on the plus strand (T on the coding strand, the reverse complement: SUCLG1 is on the minus strand); the first of 2 consecutive A bases (chr2:84,425,594-84,425,595); deleting either gives the same sequence. VCF-style (leftmost placement, unchanged base first): chr2-84425593-GA-G. GRCh37 (hg19) VCF-style: chr2-84652717-GA-G.
Other names: short protein forms S279fs.
Identifiers: ClinVar variation 3005619 (VCV003005619.3), dbSNP rs1672524253, ClinGen allele CA1032992445.